The following is an entry in ClinVar:

NM_000135.4(FANCA):c.2830G>T (p.Asp944Tyr)

Gene: FANCA (FA complementation group A; minus strand). Cytogenetic location: 16q24.3.
Variant type: single nucleotide variant.
Coding change: c.2830G>T on transcript NM_000135.4 (MANE Select); coding-DNA position 2830, G replaced by T.
Protein change: p.Asp944Tyr; replaces aspartic acid 944 with tyrosine.
Molecular consequence: missense variant.
Genome position (GRCh38, 1-based): chr16:89,761,971, C>A on the plus strand (G>T on the coding strand, the complement: FANCA is on the minus strand). VCF-style: chr16-89761971-C-A. GRCh37 (hg19) VCF-style: chr16-89828379-C-A.
Other names: c.2830G>T, p.Asp944Tyr (NM_001286167.3); short protein forms D944Y.
Identifiers: ClinVar variation 2868609 (VCV002868609.3), dbSNP rs2544167954, ClinGen allele CA397433336.

ClinVar aggregate classification (germline): Uncertain significance (1 of 4 stars; one submission).

Conditions:
Fanconi anemia (FA). Also called: Fanconi's anemia. Identifiers: Orphanet 84, MedGen C0015625, MeSH D005199, MONDO:0019391.

Submission:

Labcorp Genetics (formerly Invitae), Labcorp
Classification: Uncertain significance for Fanconi anemia. Last evaluated: 2025-12-04. Review status: criteria provided, single submitter. Criteria: Invitae Variant Classification Sherloc (09022015). Collection method: clinical testing. Allele origin: germline.
Comment: This sequence change replaces aspartic acid, which is acidic and polar, with tyrosine, which is neutral and polar, at codon 944 of the FANCA protein (p.Asp944Tyr). This variant is not present in population databases (gnomAD no frequency). This missense change has been observed in individual(s) with Fanconi anemia (internal data). ClinVar contains an entry for this variant (Variation ID: 2868609). Invitae Evidence Modeling of protein sequence and biophysical properties (such as structural, functional, and spatial information, amino acid conservation, physicochemical variation, residue mobility, and thermodynamic stability) indicates that this missense variant is expected to disrupt FANCA protein function with a positive predictive value of 95%. This variant disrupts the p.Asp244 amino acid residue in FANCA. Other variant(s) that disrupt this residue have been observed in individuals with FANCA-related conditions (PMID: 29098742; internal data), which suggests that this may be a clinically significant amino acid residue. In summary, the available evidence is currently insufficient to determine the role of this variant in disease. Therefore, it has been classified as a Variant of Uncertain Significance.

Literature cited by the submitters: PubMed 29098742.